The following is an entry in ClinVar:

ClinVar aggregate classification (germline): Uncertain significance (1 of 4 stars; one submission).

Conditions:
Ectodermal dysplasia and immunodeficiency 2. Identifiers: Orphanet 238468, Orphanet 98813, MedGen C2677481, MONDO:0012806, OMIM 612132.

Submission:

Labcorp Genetics (formerly Invitae), Labcorp
Classification: Uncertain significance for Ectodermal dysplasia and immunodeficiency 2. Last evaluated: 2021-01-19. Review status: criteria provided, single submitter. Criteria: Invitae Variant Classification Sherloc (09022015). Collection method: clinical testing. Allele origin: germline.
Comment: In summary, the available evidence is currently insufficient to determine the role of this variant in disease. Therefore, it has been classified as a Variant of Uncertain Significance. Algorithms developed to predict the effect of missense changes on protein structure and function are either unavailable or do not agree on the potential impact of this missense change (SIFT: "Deleterious"; PolyPhen-2: "Benign"; Align-GVGD: "Class C0"). This variant has not been reported in the literature in individuals with NFKBIA-related conditions. This variant is not present in population databases (ExAC no frequency). This sequence change replaces leucine with arginine at codon 26 of the NFKBIA protein (p.Leu26Arg). The leucine residue is weakly conserved and there is a moderate physicochemical difference between leucine and arginine.

NM_020529.3(NFKBIA):c.77T>G (p.Leu26Arg)

Gene: NFKBIA (NFKB inhibitor alpha; minus strand). Cytogenetic location: 14q13.2.
Variant type: single nucleotide variant.
Coding change: c.77T>G on transcript NM_020529.3 (MANE Select); coding-DNA position 77, T replaced by G.
Protein change: p.Leu26Arg; replaces leucine 26 with arginine.
Molecular consequence: missense variant.
Genome position (GRCh38, 1-based): chr14:35,404,568, A>C on the plus strand (T>G on the coding strand, the complement: NFKBIA is on the minus strand). VCF-style: chr14-35404568-A-C. GRCh37 (hg19) VCF-style: chr14-35873774-A-C.
Other names: short protein forms L26R.
Identifiers: ClinVar variation 1468108 (VCV001468108.8), dbSNP rs1222307946, ClinGen allele CA389455366.